The following is an entry in ClinVar:

NM_033026.6(PCLO):c.12608T>A (p.Phe4203Tyr)

Gene: PCLO (piccolo presynaptic cytomatrix protein; minus strand). Cytogenetic location: 7q21.11.
Variant type: single nucleotide variant.
Coding change: c.12608T>A on transcript NM_033026.6 (MANE Select); coding-DNA position 12608, T replaced by A.
Protein change: p.Phe4203Tyr; replaces phenylalanine 4203 with tyrosine.
Molecular consequence: missense variant.
Genome position (GRCh38, 1-based): chr7:82,915,378, A>T on the plus strand (T>A on the coding strand, the complement: PCLO is on the minus strand). VCF-style: chr7-82915378-A-T. GRCh37 (hg19) VCF-style: chr7-82544694-A-T.
Other names: c.12608T>A, p.Phe4203Tyr (NM_014510.3); short protein forms F4203Y.
Identifiers: ClinVar variation 1477901 (VCV001477901.8), dbSNP rs1379507225, ClinGen allele CA367887182.

ClinVar aggregate classification (germline): Uncertain significance (1 of 4 stars; one submission).

gnomAD v4.1: 3 of 1,613,460 alleles (0.00019%); highest among the groups gnomAD compares: Non-Finnish European, 0.00025%; no homozygotes.

Submission:

Labcorp Genetics (formerly Invitae), Labcorp
Classification: Uncertain significance. Last evaluated: 2021-03-16. Review status: criteria provided, single submitter. Criteria: Invitae Variant Classification Sherloc (09022015). Collection method: clinical testing. Allele origin: germline.
Comment: In summary, the available evidence is currently insufficient to determine the role of this variant in disease. Therefore, it has been classified as a Variant of Uncertain Significance. Algorithms developed to predict the effect of missense changes on protein structure and function are either unavailable or do not agree on the potential impact of this missense change (SIFT: "Deleterious"; PolyPhen-2: "Not Available"; Align-GVGD: "Class C0"). This variant has not been reported in the literature in individuals with PCLO-related conditions. This variant is not present in population databases (ExAC no frequency). This sequence change replaces phenylalanine with tyrosine at codon 4203 of the PCLO protein (p.Phe4203Tyr). The phenylalanine residue is moderately conserved and there is a small physicochemical difference between phenylalanine and tyrosine.